The following is an entry in ClinVar:

ClinVar aggregate classification (germline): Uncertain significance. Review status: criteria provided, multiple submitters, no conflicts (2 of 4 stars). 4 submissions from 4 submitters: Uncertain significance (4). Last evaluated 2025-12-08.

Conditions:
Inborn genetic diseases. Identifiers: MedGen C0950123, MeSH D030342.
Exostoses, multiple, type 2 (EXT2). Also called: EXOSTOSES, MULTIPLE, TYPE II; Hereditary Multiple Osteochondromatosis, Type II. Identifiers: Orphanet 321, MedGen C1851413, MONDO:0007586, OMIM 133701.

Allele frequency attached by ClinVar (database versions not stated): gnomAD exomes below 0.00001 and 0.00001; ExAC 0.00001; gnomAD 0.00001; TOPMed 0.00001.
gnomAD v4.1: 4 of 1,613,980 alleles (0.00025%); highest among the groups gnomAD compares: Admixed American, 0.0017%; no homozygotes.

Submissions (4):

Ambry Genetics
Classification: Uncertain significance for Inborn genetic diseases. Last evaluated: 2025-12-08. Review status: criteria provided, single submitter. Criteria: Ambry Variant Classification Scheme 2023. Collection method: clinical testing. Allele origin: germline.

Labcorp Genetics (formerly Invitae), Labcorp
Classification: Uncertain significance for Exostoses, multiple, type 2. Last evaluated: 2025-10-06. Review status: criteria provided, single submitter. Criteria: Invitae Variant Classification Sherloc (09022015). Collection method: clinical testing. Allele origin: germline.
Comment: This sequence change replaces lysine, which is basic and polar, with glutamine, which is neutral and polar, at codon 641 of the EXT2 protein (p.Lys641Gln). This variant is present in population databases (rs773705067, gnomAD 0.002%). This variant has not been reported in the literature in individuals affected with EXT2-related conditions. ClinVar contains an entry for this variant (Variation ID: 806648). Invitae Evidence Modeling of protein sequence and biophysical properties (such as structural, functional, and spatial information, amino acid conservation, physicochemical variation, residue mobility, and thermodynamic stability) indicates that this missense variant is not expected to disrupt EXT2 protein function with a negative predictive value of 95%. In summary, the available evidence is currently insufficient to determine the role of this variant in disease. Therefore, it has been classified as a Variant of Uncertain Significance.

Baylor Genetics
Classification: Uncertain significance for Exostoses, multiple, type 2. Last evaluated: 2023-08-15. Review status: criteria provided, single submitter. Criteria: ACMG Guidelines, 2015. Collection method: clinical testing. Allele origin: unknown.

CeGaT Center for Human Genetics Tuebingen
Classification: Uncertain significance. Last evaluated: 2018-10-01. Review status: criteria provided, single submitter. Criteria: CeGaT Center For Human Genetics Tuebingen Variant Classification Criteria Version 2. Collection method: clinical testing. Allele origin: germline. Affected: yes. Observed: 1 variant allele.

NM_207122.2(EXT2):c.1921A>C (p.Lys641Gln)

Gene: EXT2 (exostosin glycosyltransferase 2; plus strand). Cytogenetic location: 11p11.2.
Variant type: single nucleotide variant.
Coding change: c.1921A>C on transcript NM_207122.2 (MANE Select); coding-DNA position 1921, A replaced by C.
Protein change: p.Lys641Gln; replaces lysine 641 with glutamine.
Molecular consequence: missense variant.
Genome position (GRCh38, 1-based): chr11:44,234,229, A>C. VCF-style: chr11-44234229-A-C. GRCh37 (hg19) VCF-style: chr11-44255779-A-C.
Other names: c.1921A>C (NM_207122.1); c.2020A>C, p.Lys674Gln (NM_000401.3); c.1951A>C, p.Lys651Gln (NM_001178083.3); c.1921A>C, p.Lys641Gln (NM_001389628.1, NM_001389630.1); short protein forms K674Q, K651Q, K641Q.
Identifiers: ClinVar variation 806648 (VCV000806648.46), dbSNP rs773705067, ClinGen allele CA5955388.